The following is an entry in ClinVar:

ClinVar aggregate classification (germline): Likely benign. Review status: criteria provided, single submitter (1 of 4 stars). 2 submissions from 2 submitters: Likely benign (1). 1 of the submissions does not count toward it. Last evaluated 2023-09-09.

Conditions:
DNAH9-related disorder. Also called: DNAH9-related condition.

Allele frequency attached by ClinVar (database versions not stated): gnomAD exomes below 0.00001; ExAC 0.00001; gnomAD 0.00001.
gnomAD v4.1: 4 of 1,613,920 alleles (0.00025%); highest among the groups gnomAD compares: Admixed American, 0.0017%; no homozygotes.

Submissions (2):

Labcorp Genetics (formerly Invitae), Labcorp
Classification: Likely benign. Last evaluated: 2023-09-09. Review status: criteria provided, single submitter. Criteria: Invitae Variant Classification Sherloc (09022015). Collection method: clinical testing. Allele origin: germline.

PreventionGenetics, part of Exact Sciences
Classification: Likely benign for DNAH9-related condition. Last evaluated: 2023-11-08. Review status: no assertion criteria provided. Collection method: clinical testing. Allele origin: germline. Not counted in ClinVar's aggregate classification.
Comment: This variant is classified as likely benign based on ACMG/AMP sequence variant interpretation guidelines (Richards et al. 2015 PMID: 25741868, with internal and published modifications).

NM_001372.4(DNAH9):c.11445G>A (p.Arg3815=)

Gene: DNAH9 (dynein axonemal heavy chain 9; plus strand). Cytogenetic location: 17p12.
Variant type: single nucleotide variant.
Coding change: c.11445G>A on transcript NM_001372.4 (MANE Select); coding-DNA position 11445, G replaced by A.
Protein change: p.Arg3815=; no amino-acid change (arginine 3815 retained).
Molecular consequence: synonymous variant.
Genome position (GRCh38, 1-based): chr17:11,902,757, G>A. VCF-style: chr17-11902757-G-A. GRCh37 (hg19) VCF-style: chr17-11806074-G-A.
Other names: c.11445G>A (NM_001372.3); c.381G>A, p.Arg127= (NM_004662.2).
Identifiers: ClinVar variation 2957742 (VCV002957742.5), dbSNP rs757219133, ClinGen allele CA8397842.